The following is an entry in ClinVar:

ClinVar aggregate classification (germline): Uncertain significance (1 of 4 stars; one submission).

Conditions:
Combined immunodeficiency due to DOCK8 deficiency (HIES2). Also called: HIES autosomal recessive; DOCK8 Deficiency; Hyper-IgE recurrent infection syndrome, autosomal recessive; HYPER-IgE RECURRENT INFECTION SYNDROME 2, AUTOSOMAL RECESSIVE; HYPER-IgE SYNDROME 2, AUTOSOMAL RECESSIVE, WITH RECURRENT INFECTIONS. Identifiers: Orphanet 217390, MedGen C4722305, MONDO:0009478, OMIM 243700.

Allele frequency attached by ClinVar (database versions not stated): TOPMed 0.00001.

Submission:

Labcorp Genetics (formerly Invitae), Labcorp
Classification: Uncertain significance for Combined immunodeficiency due to DOCK8 deficiency. Last evaluated: 2022-02-03. Review status: criteria provided, single submitter. Criteria: Invitae Variant Classification Sherloc (09022015). Collection method: clinical testing. Allele origin: germline.
Comment: Algorithms developed to predict the effect of missense changes on protein structure and function (SIFT, PolyPhen-2, Align-GVGD) all suggest that this variant is likely to be disruptive. ClinVar contains an entry for this variant (Variation ID: 939628). This variant has not been reported in the literature in individuals affected with DOCK8-related conditions. This variant is not present in population databases (gnomAD no frequency). This sequence change replaces valine, which is neutral and non-polar, with aspartic acid, which is acidic and polar, at codon 1027 of the DOCK8 protein (p.Val1027Asp). In summary, the available evidence is currently insufficient to determine the role of this variant in disease. Therefore, it has been classified as a Variant of Uncertain Significance.

NM_203447.4(DOCK8):c.3080T>A (p.Val1027Asp)

Gene: DOCK8 (dedicator of cytokinesis 8; plus strand). Cytogenetic location: 9p24.3.
Variant type: single nucleotide variant.
Coding change: c.3080T>A on transcript NM_203447.4 (MANE Select); coding-DNA position 3080, T replaced by A.
Protein change: p.Val1027Asp; replaces valine 1027 with aspartic acid.
Molecular consequence: missense variant.
Genome position (GRCh38, 1-based): chr9:396,894, T>A. VCF-style: chr9-396894-T-A. GRCh37 (hg19) VCF-style: chr9-396894-T-A.
Other names: c.2780T>A, p.Val927Asp (NM_001190458.2); c.2876T>A, p.Val959Asp (NM_001193536.2); short protein forms V959D, V927D, V1027D.
Identifiers: ClinVar variation 939628 (VCV000939628.10), dbSNP rs1407548330, ClinGen allele CA372753070.